The following is an entry in ClinVar:

NM_017565.4(FAM20A):c.1306G>A (p.Gly436Arg)

Genes: FAM20A (FAM20A golgi associated secretory pathway pseudokinase; minus strand), PRKAR1A (protein kinase cAMP-dependent type I regulatory subunit alpha; plus strand). Cytogenetic location: 17q24.2.
Variant type: single nucleotide variant.
Coding change: c.1306G>A on transcript NM_017565.4 (MANE Select); coding-DNA position 1306, G replaced by A.
Protein change: p.Gly436Arg; replaces glycine 436 with arginine.
Molecular consequence: missense variant. On other transcripts: non-coding transcript variant (1), intron variant (1).
Genome position (GRCh38, 1-based): chr17:68,539,392, C>T on the plus strand (G>A on the coding strand, the complement: FAM20A is on the minus strand). VCF-style: chr17-68539392-C-T. GRCh37 (hg19) VCF-style: chr17-66535533-C-T.
Other names: c.973+9391C>T (NM_001276290.1); c.892G>A, p.Gly298Arg (NM_001243746.2); short protein forms G298R, G436R.
Identifiers: ClinVar variation 1912887 (VCV001912887.5), dbSNP rs773554835, ClinGen allele CA8729692.

ClinVar aggregate classification (germline): Uncertain significance. Review status: criteria provided, multiple submitters, no conflicts (2 of 4 stars). 2 submissions from 2 submitters: Uncertain significance (2). Last evaluated 2025-09-04.

Conditions:
Inborn genetic diseases. Identifiers: MedGen C0950123, MeSH D030342.

Allele frequency attached by ClinVar (database versions not stated): ExAC 0.00004.
gnomAD v4.1: 25 of 1,614,000 alleles (0.0015%); highest among the groups gnomAD compares: African/African-American, 0.0053%; no homozygotes.

Submissions (2):

Ambry Genetics
Classification: Uncertain significance for Inborn genetic diseases. Last evaluated: 2025-09-04. Review status: criteria provided, single submitter. Criteria: Ambry Variant Classification Scheme 2023. Collection method: clinical testing. Allele origin: germline.

Labcorp Genetics (formerly Invitae), Labcorp
Classification: Uncertain significance. Last evaluated: 2022-06-19. Review status: criteria provided, single submitter. Criteria: Invitae Variant Classification Sherloc (09022015). Collection method: clinical testing. Allele origin: germline.
Comment: In summary, the available evidence is currently insufficient to determine the role of this variant in disease. Therefore, it has been classified as a Variant of Uncertain Significance. Algorithms developed to predict the effect of missense changes on protein structure and function are either unavailable or do not agree on the potential impact of this missense change (SIFT: "Deleterious"; PolyPhen-2: "Probably Damaging"; Align-GVGD: "Class C0"). This variant has not been reported in the literature in individuals affected with FAM20A-related conditions. This variant is present in population databases (rs773554835, gnomAD 0.01%). This sequence change replaces glycine, which is neutral and non-polar, with arginine, which is basic and polar, at codon 436 of the FAM20A protein (p.Gly436Arg).